The following is an entry in ClinVar:

ClinVar aggregate classification (germline): Likely pathogenic. Review status: criteria provided, multiple submitters, no conflicts (2 of 4 stars). 2 submissions from 2 submitters: Likely pathogenic (2). Last evaluated 2024-12-30.

Conditions:
GJB2-related disorder. Also called: GJB2-related condition; GJB2-related disorders. Identifiers: MedGen CN382183, MONDO:1060236.
Autosomal recessive nonsyndromic hearing loss 1A (DFNB1A). Also called: Connexin 26 deafness; Deafness nonsyndromic, Connexin 26 linked; GJB6-Related DFNB 1 Nonsyndromic Hearing Loss and Deafness; Deafness, autosomal recessive 1A; Nonsyndromic Hearing Loss and Deafness, DFNB1; GJB2-Related Autosomal Recessive Nonsyndromic Hearing Loss. Identifiers: Orphanet 90636, MedGen C2673759, MONDO:0009076, OMIM 220290.

Submissions (2):

Natera, Inc.
Classification: Likely pathogenic for Autosomal recessive deafness type 1A. Last evaluated: 2024-12-30. Review status: criteria provided, single submitter. Criteria: Natera Variant Classification Schema (03/2026). Collection method: clinical testing. Allele origin: germline.
Comment: The c.556A>G variant in GJB2 is a missense variant predicted to cause substitution of threonine to alanine at amino acid 186. This variant is rare in the general population with a frequency below the threshold expected for the associated phenotype(s). This variant has been observed in one or more individuals affected with the associated recessive disease, as either homozygous or compound heterozygous with a second variant (PMID: 16931589). Additionally, this variant has been observed to segregate in affected family members (PMID: 23555729). Computational prediction algorithms indicate this variant is likely to affect gene or protein function. Given the available evidence, this variant is classified as Likely Pathogenic.

Blueprint Genetics
Classification: Likely pathogenic for GJB2-related disorders. Last evaluated: 2023-03-28. Review status: criteria provided, single submitter. Criteria: ACMG Guidelines, 2015. Collection method: clinical testing. Allele origin: germline. Affected: yes. Observed: 2 variant alleles.

Literature cited by the submitters: PubMed 16931589 (cited by Natera, Inc.); PubMed 23555729 (cited by Natera, Inc.).

NM_004004.6(GJB2):c.556A>G (p.Thr186Ala)

Gene: GJB2 (gap junction protein beta 2; minus strand). Cytogenetic location: 13q12.11.
Variant type: single nucleotide variant.
Coding change: c.556A>G on transcript NM_004004.6 (MANE Select); coding-DNA position 556, A replaced by G.
Protein change: p.Thr186Ala; replaces threonine 186 with alanine.
Molecular consequence: missense variant.
Genome position (GRCh38, 1-based): chr13:20,189,026, T>C on the plus strand (A>G on the coding strand, the complement: GJB2 is on the minus strand). VCF-style: chr13-20189026-T-C. GRCh37 (hg19) VCF-style: chr13-20763165-T-C.
Other names: short protein forms T186A.
Identifiers: ClinVar variation 4815294 (VCV004815294.2).